The following is an entry in ClinVar:

NM_003413.4(ZIC3):c.1217A>T (p.His406Leu)

Gene: ZIC3 (Zic family zinc finger 3; plus strand). Cytogenetic location: Xq26.3.
Variant type: single nucleotide variant.
Coding change: c.1217A>T on transcript NM_003413.4 (MANE Select); coding-DNA position 1217, A replaced by T.
Protein change: p.His406Leu; replaces histidine 406 with leucine.
Molecular consequence: missense variant.
Genome position (GRCh38, 1-based): chrX:137,569,058, A>T. VCF-style: chrX-137569058-A-T. GRCh37 (hg19) VCF-style: chrX-136651217-A-T.
Other names: c.1217A>T, p.His406Leu (NM_001330661.1); short protein forms H406L.
Identifiers: ClinVar variation 1719723 (VCV001719723.5), dbSNP rs2521155169, ClinGen allele CA414771719.
Genomic context (GRCh38, chrX:137,569,058, plus strand): 5'-AGCCCTATATCTGCAAAGTGTGCGACAAGTCCTACACGCACCCGAGCTCCCTGCGCAAAC[A>T]CATGAAGGTAATTACCTCTTTATTAGCGGTCGGCGGTTTGTAAACACTCGGCCCGACGCC-3'
Protein context (NP_003404.1, residues 396-416): SYTHPSSLRK[His406Leu]MKVHESQGSD

ClinVar aggregate classification (germline): Uncertain significance (1 of 4 stars; one submission).

Conditions:
Heterotaxy, visceral, 1, X-linked (HTX1). Also called: SITUS INVERSUS, COMPLEX CARDIAC DEFECTS, AND SPLENIC DEFECTS, X-LINKED; DEXTROCARDIA WITH OTHER CARDIAC MALFORMATIONS; Laterality, X-linked; Visceral heterotaxia. Identifiers: Orphanet 450, MedGen C1844020, MONDO:0010607, OMIM 306955.

Submission:

Labcorp Genetics (formerly Invitae), Labcorp
Classification: Uncertain significance for Heterotaxy, visceral, 1, X-linked. Last evaluated: 2022-09-18. Review status: criteria provided, single submitter. Criteria: Invitae Variant Classification Sherloc (09022015). Collection method: clinical testing. Allele origin: germline.
Comment: This sequence change replaces histidine, which is basic and polar, with leucine, which is neutral and non-polar, at codon 406 of the ZIC3 protein (p.His406Leu). This variant is not present in population databases (gnomAD no frequency). In summary, the available evidence is currently insufficient to determine the role of this variant in disease. Therefore, it has been classified as a Variant of Uncertain Significance. Advanced modeling of protein sequence and biophysical properties (such as structural, functional, and spatial information, amino acid conservation, physicochemical variation, residue mobility, and thermodynamic stability) performed at Invitae indicates that this missense variant is expected to disrupt ZIC3 protein function. This variant has not been reported in the literature in individuals affected with ZIC3-related conditions.